The following is an entry in ClinVar:

NM_001458.5(FLNC):c.4981G>A (p.Gly1661Arg)

Gene: FLNC (filamin C; plus strand). Cytogenetic location: 7q32.1.
Variant type: single nucleotide variant.
Coding change: c.4981G>A on transcript NM_001458.5 (MANE Select); coding-DNA position 4981, G replaced by A.
Protein change: p.Gly1661Arg; replaces glycine 1661 with arginine.
Molecular consequence: missense variant.
Genome position (GRCh38, 1-based): chr7:128,849,360, G>A. VCF-style: chr7-128849360-G-A. GRCh37 (hg19) VCF-style: chr7-128489414-G-A.
Other names: c.4981G>A, p.Gly1661Arg (NM_001127487.2); short protein forms G1661R.
Identifiers: ClinVar variation 1383704 (VCV001383704.6), dbSNP rs2128937796, ClinGen allele CA369203921.

ClinVar aggregate classification (germline): Uncertain significance (1 of 4 stars; one submission).

Conditions:
Myofibrillar myopathy 5. Also called: Filaminopathy (type); FILAMINOPATHY, AUTOSOMAL DOMINANT. Identifiers: Orphanet 171445, MedGen C1836050, MONDO:0012289, OMIM 609524.
Distal myopathy with posterior leg and anterior hand involvement. Also called: WILLIAMS DISTAL MYOPATHY. Identifiers: Orphanet 63273, MedGen C3279722, MONDO:0013550, OMIM 614065.
Hypertrophic cardiomyopathy 26. Also called: Cardiomyopathy, familial hypertrophic, 26. Identifiers: Orphanet 75249, MedGen C4310749, MONDO:0014883, OMIM 617047.

Allele frequency attached by ClinVar (database versions not stated): gnomAD exomes below 0.00001.
gnomAD v4.1: 1 of 1,614,148 alleles (0.000062%); highest among the groups gnomAD compares: Non-Finnish European, 0.000085%; no homozygotes.

Submission:

Labcorp Genetics (formerly Invitae), Labcorp
Classification: Uncertain significance for Distal myopathy with posterior leg and anterior hand involvement; Myofibrillar myopathy 5; Hypertrophic cardiomyopathy 26. Last evaluated: 2025-10-14. Review status: criteria provided, single submitter. Criteria: Invitae Variant Classification Sherloc (09022015). Collection method: clinical testing. Allele origin: germline.
Comment: This sequence change replaces glycine, which is neutral and non-polar, with arginine, which is basic and polar, at codon 1661 of the FLNC protein (p.Gly1661Arg). This variant is not present in population databases (gnomAD no frequency). This variant has not been reported in the literature in individuals affected with FLNC-related conditions. ClinVar contains an entry for this variant (Variation ID: 1383704). Invitae Evidence Modeling of protein sequence and biophysical properties (such as structural, functional, and spatial information, amino acid conservation, physicochemical variation, residue mobility, and thermodynamic stability) has been performed for this missense variant. However, the output from this modeling did not meet the statistical confidence thresholds required to predict the impact of this variant on FLNC protein function. In summary, the available evidence is currently insufficient to determine the role of this variant in disease. Therefore, it has been classified as a Variant of Uncertain Significance.